The following is an entry in ClinVar:

ClinVar aggregate classification (germline): Conflicting classifications of pathogenicity. Review status: criteria provided, conflicting classifications (1 of 4 stars). 8 submissions from 7 submitters: Uncertain significance (7); Likely benign (1). Last evaluated 2025-08-01.

Conditions:
Hereditary cancer-predisposing syndrome. Also called: Hereditary Cancer Syndrome; Hereditary neoplastic syndrome; Tumor predisposition; Neoplastic Syndromes, Hereditary. Identifiers: Orphanet 140162, MedGen C0027672, MeSH D009386, MONDO:0015356.
Juvenile myelomonocytic leukemia (JMML). Also called: LEUKEMIA, JUVENILE MYELOMONOCYTIC, SOMATIC. Identifiers: Orphanet 86834, MedGen C0349639, MONDO:0011908, OMIM 607785, HP:0012209.
Neurofibromatosis, type 1 (NF1). Also called: VON RECKLINGHAUSEN DISEASE; NEUROFIBROMATOSIS, TYPE I, SOMATIC; Peripheral type neurofibromatosis; Neurofibromatosis, type I. Identifiers: Orphanet 636, MedGen C0027831, MONDO:0018975, OMIM 162200. Disease mechanism: loss of function.
Cardiovascular phenotype. Identifiers: MedGen CN230736.
Café-au-lait macules with pulmonary stenosis (WTSN). Also called: PULMONIC STENOSIS WITH CAFE-AU-LAIT SPOTS. Identifiers: MedGen C0553586, MONDO:0008672, OMIM 193520.
Neurofibromatosis-Noonan syndrome (NFNS). Also called: NEUROFIBROMATOSIS WITH NOONAN PHENOTYPE. Identifiers: Orphanet 638, MedGen C2931482, MONDO:0011035, OMIM 601321. Disease mechanism: loss of function.
Neurofibromatosis, familial spinal (FSNF). Identifiers: Orphanet 636, MedGen C1834235, MONDO:0008078, OMIM 162210. Disease mechanism: loss of function.

Submissions (8):

Labcorp Genetics (formerly Invitae), Labcorp
Classification: Likely benign for Neurofibromatosis, type 1. Last evaluated: 2025-08-01. Review status: criteria provided, single submitter. Criteria: Invitae Variant Classification Sherloc (09022015). Collection method: clinical testing. Allele origin: germline.

Fulgent Genetics
Classification: Uncertain significance for Neurofibromatosis, type 1; Neurofibromatosis, familial spinal; Café-au-lait macules with pulmonary stenosis; Neurofibromatosis-Noonan syndrome; Juvenile myelomonocytic leukemia. Last evaluated: 2024-01-27. Review status: criteria provided, single submitter. Criteria: ACMG Guidelines, 2015. Collection method: clinical testing. Allele origin: germline.

Quest Diagnostics Nichols Institute San Juan Capistrano
Classification: Uncertain significance. Last evaluated: 2023-12-18. Review status: criteria provided, single submitter. Criteria: Quest Diagnostics criteria. Collection method: clinical testing. Allele origin: unknown.

Genetics and Molecular Pathology, SA Pathology
Classification: Uncertain significance for Juvenile myelomonocytic leukemia. Last evaluated: 2023-02-24. Review status: criteria provided, single submitter. Criteria: ACMG Guidelines, 2015. Collection method: clinical testing. Allele origin: germline. Inheritance: Autosomal dominant inheritance. Affected: yes.
Comment: The NF1 c.4074_4075delCCinsAA variant is classified as VUS (PM2) The NF1 c.4074_4075delCCinsAA variant is located in exon 30/57 of the NF1 gene, which is predicted to change the amino acid proline at position 1359 in the protein to threonine. This variant is absent from population databases (PM2). Computational predictions provide conflicting interpretations of pathogenicity for this variant (PP3 and BP4 not met). The variant has been reported in dbSNP (rs1555617362) and has been reported as Uncertain significance by other diagnostic laboratories (ClinVar Variation ID: 457678). It has not been reported in HGMD.

Ambry Genetics
Classification: Uncertain significance for Cardiovascular phenotype; Hereditary cancer-predisposing syndrome. Last evaluated: 2022-06-15. Review status: criteria provided, single submitter. Criteria: Ambry Variant Classification Scheme 2023. Collection method: clinical testing. Allele origin: germline.
Comment: The c.4074_4075delCCinsAA (p.P1359T) alteration, located in exon 30 (coding exon 30) of the NF1 gene, consists of an in-frame substitution of 2 nucleotides from position 4074 to 4075, resulting in the insertion of 1 residue. Based on insufficient or conflicting evidence, the clinical significance of this alteration remains unclear.

Genome-Nilou Lab
Classification: Uncertain significance for Neurofibromatosis, type 1. Last evaluated: 2022-03-15. Review status: criteria provided, single submitter. Criteria: ACMG Guidelines, 2015. Collection method: clinical testing. Allele origin: germline. Affected: no.

Genetic Services Laboratory, University of Chicago
Classification: Uncertain significance. Last evaluated: 2021-04-24. Review status: criteria provided, single submitter. Criteria: ACMG Guidelines, 2015. Collection method: clinical testing. Allele origin: germline. Affected: no.
Comment: DNA sequence analysis of the NF1 gene demonstrated an insertion/deletion event, c.4074_4075delinsAA, in exon 30 that results in an amino acid change, p.Pro1359Thr. This sequence change does not appear to have been previously described in patients with NF1-related disorders. This sequence change has been described in one individual in the gnomAD population database. The p.Pro1359Thr change affects a moderately conserved amino acid residue of the NF1 protein. In-silico pathogenicity prediction tools (SIFT, PolyPhen2, Align GVGD, REVEL) provide contradictory results for the p.Pro1359Thr substitution. Due to the lack of functional studies, the clinical significance of the p.Pro1359Thr change remains unknown at this time.

Ambry Genetics
Classification: Uncertain significance for Hereditary cancer-predisposing syndrome. Last evaluated: 2016-02-28. Review status: criteria provided, single submitter. Criteria: Ambry Autosomal Dominant and X-Linked criteria (10/2015). Collection method: clinical testing. Allele origin: germline. Observed: 1 variant allele.
Comment: The c.4074_4075delCCinsAA variant (p.P1359T), located in coding exon 30 of the NF1 gene, results from a deletion of CC and insertion of AA at nucleotide positions 4074 and 4075. This results in the substitution of a threonine residue for proline at codon 1359. This variant was not reported in population based cohorts in the following databases: Database of Single Nucleotide Polymorphisms (dbSNP), NHLBI Exome Sequencing Project (ESP), and 1000 Genomes Project. In the ESP, this variant was not observed in 6503 samples (13006 alleles) with coverage at this position. To date, this alteration has been detected with an allele frequency of approximately 0.001% (greater than 110000alleles tested) in our clinical cohort.This amino acid position is well conserved in available vertebrate species. Since supporting evidence is limited at this time, the clinical significance of this alterationremains unclear.

Literature cited by the submitters: PubMed 33471991 (cited by Quest Diagnostics Nichols Institute San Juan Capistrano).

NM_001042492.3(NF1):c.4074_4075delinsAA (p.Pro1359Thr)

Gene: NF1 (neurofibromin 1; plus strand). Cytogenetic location: 17q11.2.
Variant type: Indel.
Coding change: c.4074_4075delinsAA on transcript NM_001042492.3 (MANE Select); coding-DNA positions 4074 to 4075, CC replaced by AA.
Protein change: p.Pro1359Thr; replaces proline 1359 with threonine.
Molecular consequence: missense variant.
Genome position (GRCh38, 1-based): chr17:31,249,083-31,249,084, CC replaced by AA. VCF-style: chr17-31249083-CC-AA. GRCh37 (hg19) VCF-style: chr17-29576101-CC-AA.
Other names: c.4074_4075delCCinsAA (NM_000267.3); c.4074_4075delCCinsAA, p.Pro1359Thr (NM_000267.4); short protein forms P1359T.
Identifiers: ClinVar variation 457678 (VCV000457678.17), dbSNP rs1555617362, ClinGen allele CA658656602.